The following is an entry in ClinVar:

ClinVar aggregate classification (germline): Benign/Likely benign. Review status: criteria provided, multiple submitters, no conflicts (2 of 4 stars). 11 submissions from 11 submitters: Benign (2); Likely benign (7). 2 of the submissions do not count toward it. Last evaluated 2026-02-01.

Conditions:
Inborn genetic diseases. Identifiers: MedGen C0950123, MeSH D030342.
Hypercalcemia, infantile, 1 (HCINF1). Identifiers: Orphanet 300547, MedGen CN031131, MONDO:0020739, OMIM 143880.

Allele frequency attached by ClinVar (database versions not stated): 1000 Genomes Project 30x 0.00828; 1000 Genomes Project 0.00859; TOPMed 0.01765; ESP Exome Variant Server 0.01899.
gnomAD v4.1: 36,007 of 1,613,754 alleles (2.2%); highest among the groups gnomAD compares: Middle Eastern, 3.4%; 486 homozygotes.

Submissions (11):

Labcorp Genetics (formerly Invitae), Labcorp
Classification: Benign. Last evaluated: 2026-02-01. Review status: criteria provided, single submitter. Criteria: Invitae Variant Classification Sherloc (09022015). Collection method: clinical testing. Allele origin: germline.

Blueprint Genetics
Classification: Likely benign. Last evaluated: 2024-11-28. Review status: criteria provided, single submitter. Criteria: ACMG Guidelines, 2015. Collection method: clinical testing. Allele origin: germline.

Mayo Clinic Laboratories, Mayo Clinic
Classification: Likely benign. Last evaluated: 2024-11-20. Review status: criteria provided, single submitter. Criteria: ACMG Guidelines, 2015. Collection method: clinical testing. Allele origin: germline. Observed: 9 variant alleles.
Comment: BS2, BP4, BP7

Ambry Genetics
Classification: Likely benign for Inborn genetic diseases. Last evaluated: 2023-06-01. Review status: criteria provided, single submitter. Criteria: Ambry Variant Classification Scheme 2023. Collection method: clinical testing. Allele origin: germline.

CeGaT Center for Human Genetics Tuebingen
Classification: Likely benign. Last evaluated: 2022-11-01. Review status: criteria provided, single submitter. Criteria: CeGaT Center For Human Genetics Tuebingen Variant Classification Criteria Version 2. Collection method: clinical testing. Allele origin: germline. Affected: yes. Observed: 3 variant alleles.
Comment: CYP24A1: BP4, BP7

Fulgent Genetics
Classification: Likely benign for Hypercalcemia, infantile, 1. Last evaluated: 2021-12-29. Review status: criteria provided, single submitter. Criteria: ACMG Guidelines, 2015. Collection method: clinical testing. Allele origin: unknown.

GeneDx
Classification: Likely benign. Last evaluated: 2021-04-12. Review status: criteria provided, single submitter. Criteria: GeneDx Variant Classification Process June 2021. Collection method: clinical testing. Allele origin: germline. Affected: yes.

Illumina Laboratory Services, Illumina
Classification: Benign for Hypercalcemia, infantile, 1. Last evaluated: 2018-01-13. Review status: criteria provided, single submitter. Criteria: ICSL Variant Classification Criteria 13 December 2019. Collection method: clinical testing. Allele origin: germline.
Comment: This variant was observed in the ICSL laboratory as part of a predisposition screen in an ostensibly healthy population. It had not been previously curated by ICSL or reported in the Human Gene Mutation Database (HGMD: prior to June 1st, 2018), and was therefore a candidate for classification through an automated scoring system. Utilizing variant allele frequency, disease prevalence and penetrance estimates, and inheritance mode, an automated score was calculated to assess if this variant is too frequent to cause the disease. Based on the score and internal cut-off values, a variant classified as benign is not then subjected to further curation. The score for this variant resulted in a classification of benign for this disease.

Breakthrough Genomics
Classification: Likely benign. Review status: criteria provided, single submitter. Criteria: ACMG Guidelines, 2015. Collection method: not provided. Allele origin: germline. Inheritance: Autosomal recessive inheritance. Affected: yes.

Genome Diagnostics Laboratory, University Medical Center Utrecht
Classification: Benign. Review status: no assertion criteria provided. Collection method: clinical testing. Allele origin: germline. Affected: yes. Study: VKGL Data-share Consensus. Not counted in ClinVar's aggregate classification.

Joint Genome Diagnostic Labs from Nijmegen and Maastricht, Radboudumc and MUMC+
Classification: Benign. Review status: no assertion criteria provided. Collection method: clinical testing. Allele origin: germline. Affected: yes. Study: VKGL Data-share Consensus. Not counted in ClinVar's aggregate classification.

NM_000782.5(CYP24A1):c.469C>A (p.Arg157=)

Gene: CYP24A1 (cytochrome P450 family 24 subfamily A member 1; minus strand). Cytogenetic location: 20q13.2.
Variant type: single nucleotide variant.
Coding change: c.469C>A on transcript NM_000782.5 (MANE Select); coding-DNA position 469, C replaced by A.
Protein change: p.Arg157=; no amino-acid change (arginine 157 retained).
Molecular consequence: synonymous variant.
Genome position (GRCh38, 1-based): chr20:54,171,651, G>T on the plus strand (C>A on the coding strand, the complement: CYP24A1 is on the minus strand). VCF-style: chr20-54171651-G-T. GRCh37 (hg19) VCF-style: chr20-52788190-G-T.
Other names: p.Arg157=; c.469C>A, p.Arg157= (NM_001128915.2).
Identifiers: ClinVar variation 895614 (VCV000895614.47), dbSNP rs35873579, ClinGen allele CA9916141.